The following is an entry in ClinVar:

NM_001351132.2(PEX5):c.965A>T (p.Lys322Met)

Gene: PEX5 (peroxisomal biogenesis factor 5; plus strand). Cytogenetic location: 12p13.31.
Variant type: single nucleotide variant.
Coding change: c.965A>T on transcript NM_001351132.2 (MANE Select); coding-DNA position 965, A replaced by T.
Protein change: p.Lys322Met; replaces lysine 322 with methionine.
Molecular consequence: missense variant.
Genome position (GRCh38, 1-based): chr12:7,203,550, A>T. VCF-style: chr12-7203550-A-T. GRCh37 (hg19) VCF-style: chr12-7356146-A-T.
Other names: c.941A>T, p.Lys314Met (NM_000319.5); c.1010A>T, p.Lys337Met (NM_001131023.2); c.854A>T, p.Lys285Met (NM_001131024.2, NM_001351124.3, NM_001351126.2 and 7 more transcripts); c.965A>T, p.Lys322Met (NM_001131025.2, NM_001131026.2, NM_001300789.3 and 5 more transcripts); c.899A>T, p.Lys300Met (NM_001351135.3, NM_001351138.2); c.830A>T, p.Lys277Met (NM_001351139.2, NM_001351140.2, NM_001374649.2); short protein forms K300M, K277M, K314M, K337M, K285M, K322M.
Identifiers: ClinVar variation 1503325 (VCV001503325.6), dbSNP rs770028664, ClinGen allele CA6426322.

ClinVar aggregate classification (germline): Uncertain significance (1 of 4 stars; one submission).

Conditions:
Peroxisome biogenesis disorder 2B (PBD2B). Identifiers: Orphanet 44, MedGen C3550234, MONDO:0008736, OMIM 202370.

Allele frequency attached by ClinVar (database versions not stated): gnomAD exomes below 0.00001 and 0.00001; ExAC 0.00002.
gnomAD v4.1: 2 of 1,613,468 alleles (0.00012%); highest among the groups gnomAD compares: Admixed American, 0.0033%; no homozygotes.

Submission:

Labcorp Genetics (formerly Invitae), Labcorp
Classification: Uncertain significance for Peroxisome biogenesis disorder 2B. Last evaluated: 2021-09-09. Review status: criteria provided, single submitter. Criteria: Invitae Variant Classification Sherloc (09022015). Collection method: clinical testing. Allele origin: germline.
Comment: This sequence change replaces lysine with methionine at codon 322 of the PEX5 protein (p.Lys322Met). The lysine residue is moderately conserved and there is a moderate physicochemical difference between lysine and methionine. This variant is present in population databases (rs770028664, ExAC 0.02%). This variant has not been reported in the literature in individuals affected with PEX5-related conditions. Algorithms developed to predict the effect of missense changes on protein structure and function are either unavailable or do not agree on the potential impact of this missense change (SIFT: "Deleterious"; PolyPhen-2: "Probably Damaging"; Align-GVGD: "Class C0"). Algorithms developed to predict the effect of sequence changes on RNA splicing suggest that this variant may disrupt the consensus splice site. In summary, the available evidence is currently insufficient to determine the role of this variant in disease. Therefore, it has been classified as a Variant of Uncertain Significance.